The following is an entry in ClinVar:

NM_002875.5(RAD51):c.108C>T (p.Asn36=)

Gene: RAD51 (RAD51 recombinase; plus strand). Cytogenetic location: 15q15.1.
Variant type: single nucleotide variant.
Coding change: c.108C>T on transcript NM_002875.5 (MANE Select); coding-DNA position 108, C replaced by T.
Protein change: p.Asn36=; no amino-acid change (asparagine 36 retained).
Molecular consequence: synonymous variant.
Genome position (GRCh38, 1-based): chr15:40,701,084, C>T. VCF-style: chr15-40701084-C-T. GRCh37 (hg19) VCF-style: chr15-40993282-C-T.
Other names: c.108C>T, p.Asn36= (NM_001164269.2, NM_001164270.2, NM_133487.4).
Identifiers: ClinVar variation 1788830 (VCV001788830.31), dbSNP rs201437876, ClinGen allele CA7483919.

ClinVar aggregate classification (germline): Likely benign. Review status: criteria provided, multiple submitters, no conflicts (2 of 4 stars). 3 submissions from 3 submitters: Likely benign (3). Last evaluated 2025-09-13.

Conditions:
Inborn genetic diseases. Identifiers: MedGen C0950123, MeSH D030342.

Allele frequency attached by ClinVar (database versions not stated): ExAC 0.00002; gnomAD exomes 0.00002; gnomAD 0.00003; TOPMed 0.00004; ESP Exome Variant Server 0.00008.
gnomAD v4.1: 36 of 1,614,000 alleles (0.0022%); highest among the groups gnomAD compares: African/African-American, 0.0093%; no homozygotes.

Submissions (3):

Labcorp Genetics (formerly Invitae), Labcorp
Classification: Likely benign. Last evaluated: 2025-09-13. Review status: criteria provided, single submitter. Criteria: Invitae Variant Classification Sherloc (09022015). Collection method: clinical testing. Allele origin: germline.

CeGaT Center for Human Genetics Tuebingen
Classification: Likely benign. Last evaluated: 2023-03-01. Review status: criteria provided, single submitter. Criteria: CeGaT Center For Human Genetics Tuebingen Variant Classification Criteria Version 2. Collection method: clinical testing. Allele origin: germline. Affected: yes. Observed: 1 variant allele.
Comment: RAD51: BP4, BP7

Ambry Genetics
Classification: Likely benign for Inborn genetic diseases. Last evaluated: 2022-02-15. Review status: criteria provided, single submitter. Criteria: Ambry Variant Classification Scheme 2023. Collection method: clinical testing. Allele origin: germline.